The following is an entry in ClinVar:

NM_030665.4(RAI1):c.5443C>T (p.Pro1815Ser)

Gene: RAI1 (retinoic acid induced 1; plus strand). Cytogenetic location: 17p11.2.
Variant type: single nucleotide variant.
Coding change: c.5443C>T on transcript NM_030665.4 (MANE Select); coding-DNA position 5443, C replaced by T.
Protein change: p.Pro1815Ser; replaces proline 1815 with serine.
Molecular consequence: missense variant.
Genome position (GRCh38, 1-based): chr17:17,798,391, C>T. VCF-style: chr17-17798391-C-T. GRCh37 (hg19) VCF-style: chr17-17701705-C-T.
Other names: short protein forms P1815S.
Identifiers: ClinVar variation 3695185 (VCV003695185.2).

ClinVar aggregate classification (germline): Uncertain significance (1 of 4 stars; one submission).

Submission:

Labcorp Genetics (formerly Invitae), Labcorp
Classification: Uncertain significance. Last evaluated: 2025-01-27. Review status: criteria provided, single submitter. Criteria: Invitae Variant Classification Sherloc (09022015). Collection method: clinical testing. Allele origin: germline.
Comment: This sequence change replaces proline, which is neutral and non-polar, with serine, which is neutral and polar, at codon 1815 of the RAI1 protein (p.Pro1815Ser). This variant is not present in population databases (gnomAD no frequency). This variant has not been reported in the literature in individuals affected with RAI1-related conditions. Invitae Evidence Modeling of protein sequence and biophysical properties (such as structural, functional, and spatial information, amino acid conservation, physicochemical variation, residue mobility, and thermodynamic stability) indicates that this missense variant is not expected to disrupt RAI1 protein function with a negative predictive value of 80%. In summary, the available evidence is currently insufficient to determine the role of this variant in disease. Therefore, it has been classified as a Variant of Uncertain Significance.